The following is an entry in ClinVar:

ClinVar aggregate classification (germline): Likely benign. Review status: criteria provided, multiple submitters, no conflicts (2 of 4 stars). 2 submissions from 2 submitters: Likely benign (2). Last evaluated 2025-10-31.

Conditions:
Menkes kinky-hair syndrome (MNK). Also called: Copper transport disease; Menkes Disease; Classic Menkes Disease. Identifiers: Orphanet 565, MedGen C0022716, MONDO:0010651, OMIM 309400.
Cutis laxa, X-linked (OHS). Also called: EDS IX; Occipital horn syndrome. Identifiers: Orphanet 198, MedGen C0268353, MONDO:0010572, OMIM 304150.
X-linked distal spinal muscular atrophy type 3. Also called: ATP7A-Related Distal Motor Neuropathy; SPINAL MUSCULAR ATROPHY, DISTAL, X-LINKED RECESSIVE; NEURONOPATHY, DISTAL HEREDITARY MOTOR, X-LINKED; NEUROPATHY, DISTAL HEREDITARY MOTOR, X-LINKED. Identifiers: Orphanet 139557, MedGen C1845359, MONDO:0010338, OMIM 300489.

Allele frequency attached by ClinVar (database versions not stated): gnomAD 0.00002; gnomAD exomes 0.00002 and 0.00003; TOPMed 0.00003; ExAC 0.00006.
gnomAD v4.1: 27 of 1,209,314 alleles (0.0022%); highest among the groups gnomAD compares: East Asian, 0.021%; no homozygotes.

Submissions (2):

Labcorp Genetics (formerly Invitae), Labcorp
Classification: Likely benign for X-linked distal spinal muscular atrophy type 3; Cutis laxa, X-linked; Menkes kinky-hair syndrome. Last evaluated: 2025-10-31. Review status: criteria provided, single submitter. Criteria: Invitae Variant Classification Sherloc (09022015). Collection method: clinical testing. Allele origin: germline.

CeGaT Center for Human Genetics Tuebingen
Classification: Likely benign. Last evaluated: 2025-09-01. Review status: criteria provided, single submitter. Criteria: CeGaT Center For Human Genetics Tuebingen Variant Classification Criteria Version 2. Collection method: clinical testing. Allele origin: germline. Affected: yes. Observed: 2 variant alleles.
Comment: ATP7A: BS2

NM_000052.7(ATP7A):c.2948C>T (p.Thr983Met)

Gene: ATP7A (ATPase copper transporting alpha; plus strand). Cytogenetic location: Xq21.1.
Variant type: single nucleotide variant.
Coding change: c.2948C>T on transcript NM_000052.7 (MANE Select); coding-DNA position 2948, C replaced by T.
Protein change: p.Thr983Met; replaces threonine 983 with methionine.
Molecular consequence: missense variant.
Genome position (GRCh38, 1-based): chrX:78,029,281, C>T. VCF-style: chrX-78029281-C-T. GRCh37 (hg19) VCF-style: chrX-77284778-C-T.
Other names: c.2714C>T, p.Thr905Met (NM_001282224.2); short protein forms T983M, T905M.
Identifiers: ClinVar variation 533684 (VCV000533684.44), dbSNP rs782094358, ClinGen allele CA10459361.
Genomic context (GRCh38, chrX:78,029,281, plus strand): 5'-TAACCAAAATTTATGCCTTTCTTCTAAAGGGCTACAATAGAAGTATCTCCCGAACAGAAA[C>T]GATAATACGATTTGCTTTCCAAGCCTCTATCACAGTTCTGTGTATTGCATGTCCCTGTTC-3'
Protein context (NP_000043.4, residues 973-993): GYNRSISRTE[Thr983Met]IIRFAFQASI